The following is an entry in ClinVar:

NM_024989.4(PGAP1):c.427C>T (p.Gln143Ter)

Gene: PGAP1 (post-GPI attachment to proteins inositol deacylase 1; minus strand). Cytogenetic location: 2q33.1.
Variant type: single nucleotide variant.
Coding change: c.427C>T on transcript NM_024989.4 (MANE Select); coding-DNA position 427, C replaced by T.
Protein change: p.Gln143Ter; replaces glutamine 143 with a stop codon.
Molecular consequence: nonsense. On other transcripts: 5 prime UTR variant (2).
Genome position (GRCh38, 1-based): chr2:196,916,468, G>A on the plus strand (C>T on the coding strand, the complement: PGAP1 is on the minus strand). VCF-style: chr2-196916468-G-A. GRCh37 (hg19) VCF-style: chr2-197781192-G-A.
Other names: c.-96C>T (NM_001321099.2); c.-685C>T (NM_001321100.2); short protein forms Q143*.
Identifiers: ClinVar variation 474992 (VCV000474992.7), dbSNP rs1410587479, ClinGen allele CA350180469.

ClinVar aggregate classification (germline): Pathogenic (1 of 4 stars; one submission).

Conditions:
Intellectual disability, autosomal recessive 42 (NEDDSBA). Also called: GLYCOSYLPHOSPHATIDYLINOSITOL BIOSYNTHESIS DEFECT 9; Neurodevelopmental disorder with dysmorphic features, spasticity, and brain abnormalities. Identifiers: Orphanet 88616, MedGen C4014343, MONDO:0014348, OMIM 615802.

Allele frequency attached by ClinVar (database versions not stated): gnomAD exomes below 0.00001.
gnomAD v4.1: 1 of 1,613,376 alleles (0.000062%); highest among the groups gnomAD compares: Non-Finnish European, 0.000085%; no homozygotes.

Submission:

Labcorp Genetics (formerly Invitae), Labcorp
Classification: Pathogenic for Intellectual disability, autosomal recessive 42. Last evaluated: 2016-09-11. Review status: criteria provided, single submitter. Criteria: Invitae Variant Classification Sherloc (09022015). Collection method: clinical testing. Allele origin: germline.
Comment: For these reasons, this variant has been classified as Pathogenic. While this particular variant has not been reported in the literature, truncating variants in the PGAP1 gene are known to be pathogenic (PMID: 25804403). This sequence change creates a premature translational stop signal at codon 143 (p.Gln143*) of the PGAP1 gene. It is expected to result in an absent or disrupted protein product.

Literature cited by the submitters: PubMed 25804403.